The following is an entry in ClinVar:

NM_014946.4(SPAST):c.40G>A (p.Gly14Ser)

Gene: SPAST (spastin; plus strand). Cytogenetic location: 2p22.3.
Variant type: single nucleotide variant.
Coding change: c.40G>A on transcript NM_014946.4 (MANE Select); coding-DNA position 40, G replaced by A.
Protein change: p.Gly14Ser; replaces glycine 14 with serine.
Molecular consequence: missense variant.
Genome position (GRCh38, 1-based): chr2:32,063,871, G>A. VCF-style: chr2-32063871-G-A. GRCh37 (hg19) VCF-style: chr2-32288940-G-A.
Other names: c.40G>A, p.Gly14Ser (NM_001363823.2, NM_001363875.2, NM_001377959.1 and 1 more transcripts); short protein forms G14S.
Identifiers: ClinVar variation 2071428 (VCV002071428.4), dbSNP rs2465679591, ClinGen allele CA346601246.

ClinVar aggregate classification (germline): Uncertain significance (1 of 4 stars; one submission).

Conditions:
Hereditary spastic paraplegia 4. Also called: Spastic paraplegia 4, autosomal dominant; Familial spastic paraplegia autosomal dominant 2; Spastic Paraplegia 4. Identifiers: Orphanet 100985, MedGen C1866855, MONDO:0008438, OMIM 182601.

Allele frequency attached by ClinVar (database versions not stated): gnomAD exomes below 0.00001.
gnomAD v4.1: 2 of 1,585,326 alleles (0.00013%); highest among the groups gnomAD compares: South Asian, 0.0011%; no homozygotes.

Submission:

Labcorp Genetics (formerly Invitae), Labcorp
Classification: Uncertain significance for Hereditary spastic paraplegia 4. Last evaluated: 2022-10-05. Review status: criteria provided, single submitter. Criteria: Invitae Variant Classification Sherloc (09022015). Collection method: clinical testing. Allele origin: germline.
Comment: In summary, the available evidence is currently insufficient to determine the role of this variant in disease. Therefore, it has been classified as a Variant of Uncertain Significance. Advanced modeling of protein sequence and biophysical properties (such as structural, functional, and spatial information, amino acid conservation, physicochemical variation, residue mobility, and thermodynamic stability) performed at Invitae indicates that this missense variant is not expected to disrupt SPAST protein function. This variant has not been reported in the literature in individuals affected with SPAST-related conditions. This variant is not present in population databases (gnomAD no frequency). This sequence change replaces glycine, which is neutral and non-polar, with serine, which is neutral and polar, at codon 14 of the SPAST protein (p.Gly14Ser).